The following is an entry in ClinVar:

NM_018129.4(PNPO):c.3G>T (p.Met1Ile)

Gene: PNPO (pyridoxamine 5'-phosphate oxidase; plus strand). Cytogenetic location: 17q21.32.
Variant type: single nucleotide variant.
Coding change: c.3G>T on transcript NM_018129.4 (MANE Select); coding-DNA position 3, G replaced by T.
Protein change: p.Met1Ile; changes the start codon (methionine 1).
Molecular consequence: missense variant, initiator codon variant.
Genome position (GRCh38, 1-based): chr17:47,941,678, G>T. VCF-style: chr17-47941678-G-T. GRCh37 (hg19) VCF-style: chr17-46019044-G-T.
Other names: short protein forms M1I.
Identifiers: ClinVar variation 392472 (VCV000392472.3), dbSNP rs1057524504, ClinGen allele CA16608514.

ClinVar aggregate classification (germline): Likely pathogenic (1 of 4 stars; one submission).

Submission:

GeneDx
Classification: Likely pathogenic. Last evaluated: 2018-12-04. Review status: criteria provided, single submitter. Criteria: GeneDx Variant Classification (06012015). Collection method: clinical testing. Allele origin: germline. Affected: yes.
Comment: The c.3G>T variant in the PNPO gene has not been reported previously as a pathogenic variant, nor as a benign variant, to our knowledge. As this variant changes the translation initiator Methionine codon, the resultant protein is described as p.Met1?, using a question mark to signify that it is not known if the loss of Met1 means that all protein translation is completely prevented or if an abnormal protein is produced using an alternate Methionine. The c.3G>T variant was not observed in approximately 6,000 individuals of European and African American ancestry in the NHLBI Exome Sequencing Project, indicating it is not a common benign variant in these populations. We interpret c.3G>T as a likely pathogenic variant.